The following is an entry in ClinVar:

NM_004260.4(RECQL4):c.2550C>A (p.Phe850Leu)

Gene: RECQL4 (RecQ like helicase 4; minus strand). Cytogenetic location: 8q24.3.
Variant type: single nucleotide variant.
Coding change: c.2550C>A on transcript NM_004260.4 (MANE Select); coding-DNA position 2550, C replaced by A.
Protein change: p.Phe850Leu; replaces phenylalanine 850 with leucine.
Molecular consequence: missense variant.
Genome position (GRCh38, 1-based): chr8:144,513,052, G>T on the plus strand (C>A on the coding strand, the complement: RECQL4 is on the minus strand). VCF-style: chr8-144513052-G-T. GRCh37 (hg19) VCF-style: chr8-145738435-G-T.
Other names: c.2550C>A (NM_004260.3); short protein forms F850L.
Identifiers: ClinVar variation 1517180 (VCV001517180.7), dbSNP rs1363197248, ClinGen allele CA372677075.

ClinVar aggregate classification (germline): Uncertain significance. Review status: criteria provided, multiple submitters, no conflicts (2 of 4 stars). 2 submissions from 2 submitters: Uncertain significance (2). Last evaluated 2026-02-11.

Conditions:
Baller-Gerold syndrome (BGS). Also called: CRANIOSYNOSTOSIS WITH RADIAL DEFECTS. Identifiers: Orphanet 1225, MedGen C0265308, MONDO:0009039, OMIM 218600.
Rothmund-Thomson syndrome type 2 (RTS2). Identifiers: Orphanet 221016, MedGen C5203410, MONDO:0016369, OMIM 268400.

gnomAD v4.1: 3 of 1,579,908 alleles (0.00019%); highest among the groups gnomAD compares: South Asian, 0.0012%; no homozygotes.

Submissions (2):

St. Jude Molecular Pathology, St. Jude Children's Research Hospital
Classification: Uncertain significance for Rothmund-Thomson syndrome type 2. Last evaluated: 2026-02-11. Review status: criteria provided, single submitter. Criteria: St. Jude Assertion Criteria 2020. Collection method: clinical testing. Allele origin: germline.
Comment: The RECQL4 c.2550C>A p.(Phe850Leu) missense change has a maximum subpopulation frequency of 0.0065% in gnomAD v2.1.1. In silico tools are inconclusive about a pathogenic or benign effect of this variant on protein function, and to our knowledge functional studies have not been performed. To our knowledge, this variant has not been reported in individuals with RECQL4-associated conditions. In summary, the evidence currently available is insufficient to determine the clinical significance of this variant. It has therefore been classified as of uncertain significance.

Labcorp Genetics (formerly Invitae), Labcorp
Classification: Uncertain significance for Baller-Gerold syndrome. Last evaluated: 2025-11-02. Review status: criteria provided, single submitter. Criteria: Invitae Variant Classification Sherloc (09022015). Collection method: clinical testing. Allele origin: germline.
Comment: This sequence change replaces phenylalanine, which is neutral and non-polar, with leucine, which is neutral and non-polar, at codon 850 of the RECQL4 protein (p.Phe850Leu). This variant is present in population databases (no rsID available, gnomAD 0.007%). This variant has not been reported in the literature in individuals affected with RECQL4-related conditions. ClinVar contains an entry for this variant (Variation ID: 1517180). Invitae Evidence Modeling of protein sequence and biophysical properties (such as structural, functional, and spatial information, amino acid conservation, physicochemical variation, residue mobility, and thermodynamic stability) indicates that this missense variant is not expected to disrupt RECQL4 protein function with a negative predictive value of 80%. In summary, the available evidence is currently insufficient to determine the role of this variant in disease. Therefore, it has been classified as a Variant of Uncertain Significance.